The following is an entry in ClinVar:

NM_002335.4(LRP5):c.203T>G (p.Val68Gly)

Gene: LRP5 (LDL receptor related protein 5; plus strand). Cytogenetic location: 11q13.2.
Variant type: single nucleotide variant.
Coding change: c.203T>G on transcript NM_002335.4 (MANE Select); coding-DNA position 203, T replaced by G.
Protein change: p.Val68Gly; replaces valine 68 with glycine.
Molecular consequence: missense variant. On other transcripts: 5 prime UTR variant (1).
Genome position (GRCh38, 1-based): chr11:68,347,958, T>G. VCF-style: chr11-68347958-T-G. GRCh37 (hg19) VCF-style: chr11-68115426-T-G.
Other names: c.-1563T>G (NM_001291902.2); short protein forms V68G.
Identifiers: ClinVar variation 3634222 (VCV003634222.2).
Genomic context (GRCh38, chr11:68,347,958, plus strand): 5'-CCGGCGGAGTCAAGCTGGAGTCCACCATCGTGGTCAGCGGCCTGGAGGATGCGGCCGCAG[T>G]GGACTTCCAGTTTTCCAAGGGAGCCGTGTACTGGACAGACGTGAGCGAGGAGGCCATCAA-3'
Protein context (NP_002326.2, residues 58-78): VVSGLEDAAA[Val68Gly]DFQFSKGAVY

ClinVar aggregate classification (germline): Uncertain significance (1 of 4 stars; one submission).

Submission:

Labcorp Genetics (formerly Invitae), Labcorp
Classification: Uncertain significance. Last evaluated: 2025-09-02. Review status: criteria provided, single submitter. Criteria: Invitae Variant Classification Sherloc (09022015). Collection method: clinical testing. Allele origin: germline.
Comment: This sequence change replaces valine, which is neutral and non-polar, with glycine, which is neutral and non-polar, at codon 68 of the LRP5 protein (p.Val68Gly). This variant is not present in population databases (gnomAD no frequency). This variant has not been reported in the literature in individuals affected with LRP5-related conditions. ClinVar contains an entry for this variant (Variation ID: 3634222). Invitae Evidence Modeling of protein sequence and biophysical properties (such as structural, functional, and spatial information, amino acid conservation, physicochemical variation, residue mobility, and thermodynamic stability) indicates that this missense variant is expected to disrupt LRP5 protein function with a positive predictive value of 95%. In summary, the available evidence is currently insufficient to determine the role of this variant in disease. Therefore, it has been classified as a Variant of Uncertain Significance.